The following is an entry in ClinVar:

NM_001322934.2(NFKB2):c.1741C>G (p.Leu581Val)

Gene: NFKB2 (nuclear factor kappa B subunit 2; plus strand). Cytogenetic location: 10q24.32.
Variant type: single nucleotide variant.
Coding change: c.1741C>G on transcript NM_001322934.2 (MANE Select); coding-DNA position 1741, C replaced by G.
Protein change: p.Leu581Val; replaces leucine 581 with valine.
Molecular consequence: missense variant.
Genome position (GRCh38, 1-based): chr10:102,400,434, C>G. VCF-style: chr10-102400434-C-G. GRCh37 (hg19) VCF-style: chr10-104160191-C-G.
Other names: c.1741C>G, p.Leu581Val (LRG_1347t1, NM_001077494.3, NM_001261403.3 and 2 more transcripts); c.1615C>G, p.Leu539Val (NM_001322935.1); short protein forms L539V, L581V.
Identifiers: ClinVar variation 643932 (VCV000643932.23), dbSNP rs1589867877, ClinGen allele CA377902109.
Genomic context (GRCh38, chr10:102,400,434, plus strand): 5'-GACTCAGCCATGCATCTGGCGCTGCGGGCAGGCGCTGGTGCTCCTGAGCTGCTGCGTGCA[C>G]TGCTTCAGAGTGGAGCTCCTGCTGTGCCCCAGCTGTTGCATATGCCTGACTTTGAGGGTG-3'
Protein context (NP_001309863.1, residues 571-591): GAGAPELLRA[Leu581Val]LQSGAPAVPQ

ClinVar aggregate classification (germline): Uncertain significance. Review status: criteria provided, multiple submitters, no conflicts (2 of 4 stars). 2 submissions from 2 submitters: Uncertain significance (2). Last evaluated 2024-12-01.

Conditions:
Immunodeficiency, common variable, 10. Also called: IMMUNODEFICIENCY, COMMON VARIABLE, WITH CENTRAL ADRENAL INSUFFICIENCY; DEFICIT IN ANTERIOR PITUITARY FUNCTION AND VARIABLE IMMUNODEFICIENCY. Identifiers: MedGen C3809991, MONDO:0014260, OMIM 615577.

Submissions (2):

CeGaT Center for Human Genetics Tuebingen
Classification: Uncertain significance. Last evaluated: 2024-12-01. Review status: criteria provided, single submitter. Criteria: CeGaT Center For Human Genetics Tuebingen Variant Classification Criteria Version 2. Collection method: clinical testing. Allele origin: germline. Affected: yes. Observed: 1 variant allele.
Comment: NFKB2: PM2, BP4

Labcorp Genetics (formerly Invitae), Labcorp
Classification: Uncertain significance for Immunodeficiency, common variable, 10. Last evaluated: 2022-10-24. Review status: criteria provided, single submitter. Criteria: Invitae Variant Classification Sherloc (09022015). Collection method: clinical testing. Allele origin: germline.
Comment: In summary, the available evidence is currently insufficient to determine the role of this variant in disease. Therefore, it has been classified as a Variant of Uncertain Significance. This sequence change replaces leucine, which is neutral and non-polar, with valine, which is neutral and non-polar, at codon 581 of the NFKB2 protein (p.Leu581Val). This variant is not present in population databases (gnomAD no frequency). This variant has not been reported in the literature in individuals affected with NFKB2-related conditions. ClinVar contains an entry for this variant (Variation ID: 643932). Algorithms developed to predict the effect of missense changes on protein structure and function (SIFT, PolyPhen-2, Align-GVGD) all suggest that this variant is likely to be tolerated.